The following is an entry in ClinVar:

ClinVar aggregate classification (germline): Uncertain significance. Review status: criteria provided, multiple submitters, no conflicts (2 of 4 stars). 2 submissions from 2 submitters: Uncertain significance (2). Last evaluated 2023-12-08.

Conditions:
Inborn genetic diseases. Identifiers: MedGen C0950123, MeSH D030342.

Allele frequency attached by ClinVar (database versions not stated): gnomAD exomes below 0.00001.
gnomAD v4.1: 5 of 1,613,224 alleles (0.00031%); highest among the groups gnomAD compares: East Asian, 0.0022%; no homozygotes.

Submissions (2):

Ambry Genetics
Classification: Uncertain significance for Inborn genetic diseases. Last evaluated: 2023-12-08. Review status: criteria provided, single submitter. Criteria: Ambry Variant Classification Scheme 2023. Collection method: clinical testing. Allele origin: germline.

Labcorp Genetics (formerly Invitae), Labcorp
Classification: Uncertain significance. Last evaluated: 2023-08-16. Review status: criteria provided, single submitter. Criteria: Invitae Variant Classification Sherloc (09022015). Collection method: clinical testing. Allele origin: germline.
Comment: In summary, the available evidence is currently insufficient to determine the role of this variant in disease. Therefore, it has been classified as a Variant of Uncertain Significance. Advanced modeling of protein sequence and biophysical properties (such as structural, functional, and spatial information, amino acid conservation, physicochemical variation, residue mobility, and thermodynamic stability) performed at Invitae indicates that this missense variant is not expected to disrupt VPS13A protein function. This variant has not been reported in the literature in individuals affected with VPS13A-related conditions. This variant is present in population databases (no rsID available, gnomAD 0.006%). This sequence change replaces glutamine, which is neutral and polar, with arginine, which is basic and polar, at codon 1604 of the VPS13A protein (p.Gln1604Arg).

NM_033305.3(VPS13A):c.4811A>G (p.Gln1604Arg)

Gene: VPS13A (vacuolar protein sorting 13 homolog A; plus strand). Cytogenetic location: 9q21.2.
Variant type: single nucleotide variant.
Coding change: c.4811A>G on transcript NM_033305.3 (MANE Select); coding-DNA position 4811, A replaced by G.
Protein change: p.Gln1604Arg; replaces glutamine 1604 with arginine.
Molecular consequence: missense variant.
Genome position (GRCh38, 1-based): chr9:77,316,354, A>G. VCF-style: chr9-77316354-A-G. GRCh37 (hg19) VCF-style: chr9-79931270-A-G.
Other names: c.4811A>G, p.Gln1604Arg (NM_001018038.3, NM_015186.4); c.4694A>G, p.Gln1565Arg (NM_001018037.2); c.4811A>G (NM_033305.2); short protein forms Q1604R, Q1565R.
Identifiers: ClinVar variation 2740295 (VCV002740295.4), dbSNP rs1361761122, ClinGen allele CA373857520.